The following is an entry in ClinVar:

ClinVar aggregate classification (germline): Pathogenic. Review status: reviewed by expert panel (3 of 4 stars). 8 submissions from 8 submitters: Pathogenic (1). 7 of the submissions do not count toward it. Last evaluated 2016-09-08.

Conditions:
Hereditary cancer-predisposing syndrome. Also called: Hereditary Cancer Syndrome; Hereditary neoplastic syndrome; Neoplastic Syndromes, Hereditary; Tumor predisposition. Identifiers: Orphanet 140162, MedGen C0027672, MeSH D009386, MONDO:0015356.
Breast-ovarian cancer, familial, susceptibility to, 1 (BROVCA1). Also called: BRCA1 Hereditary Breast and Ovarian Cancer; OVARIAN CANCER, SUSCEPTIBILITY TO. Identifiers: Orphanet 145, MedGen C2676676, MONDO:0011450, OMIM 604370. Disease mechanism: loss of function.
Hereditary breast ovarian cancer syndrome. Also called: BRCA1- and BRCA2-Associated Hereditary Breast and Ovarian Cancer; Hereditary breast and ovarian cancer syndrome; Hereditary breast and ovarian cancer syndrome (HBOC); Breast and ovarian cancer; Hereditary breast and/or ovarian cancer syndrome; Hereditary breast and ovarian cancer. Identifiers: Orphanet 145, MedGen C0677776, MeSH D061325, MONDO:0003582. Disease mechanism: loss of function.

Submissions (9):

Evidence-based Network for the Interpretation of Germline Mutant Alleles (ENIGMA)
Classification: Pathogenic for Breast-ovarian cancer, familial, susceptibility to, 1. Last evaluated: 2016-09-08. Review status: reviewed by expert panel. Criteria: ENIGMA BRCA1/2 Classification Criteria (2015). Collection method: curation. Allele origin: germline.
Comment: Variant allele predicted to encode a truncated non-functional protein.

Labcorp Genetics (formerly Invitae), Labcorp
Classification: Pathogenic for Hereditary breast ovarian cancer syndrome. Last evaluated: 2025-10-26. Review status: criteria provided, single submitter. Criteria: Invitae Variant Classification Sherloc (09022015). Collection method: clinical testing. Allele origin: germline. Not counted in ClinVar's aggregate classification.
Comment: This sequence change creates a premature translational stop signal (p.Lys1667*) in the BRCA1 gene. It is expected to result in an absent or disrupted protein product. Loss-of-function variants in BRCA1 are known to be pathogenic (PMID: 20104584). This variant is not present in population databases (gnomAD no frequency). This premature translational stop signal has been observed in individual(s) with breast and/or ovarian cancer (PMID: 29446198). ClinVar contains an entry for this variant (Variation ID: 55353). Algorithms developed to predict the effect of sequence changes on RNA splicing suggest that this variant may disrupt the consensus splice site. For these reasons, this variant has been classified as Pathogenic.

Baylor Genetics
Classification: Pathogenic for Breast-ovarian cancer, familial, susceptibility to, 1. Last evaluated: 2024-01-22. Review status: criteria provided, single submitter. Criteria: ACMG Guidelines, 2015. Collection method: clinical testing. Allele origin: unknown. Not counted in ClinVar's aggregate classification.

Ambry Genetics
Classification: Pathogenic for Hereditary cancer-predisposing syndrome. Last evaluated: 2024-01-04. Review status: criteria provided, single submitter. Criteria: Ambry Variant Classification Scheme 2023. Collection method: clinical testing. Allele origin: germline. Not counted in ClinVar's aggregate classification.
Comment: The p.K1667* pathogenic mutation (also known as c.4999A>T), located in coding exon 15 of the BRCA1 gene, results from an A to T substitution at nucleotide position 4999. This changes the amino acid from a lysine to a stop codon within coding exon 15. This mutation has been detected in hereditary breast/ovarian cancer families (Coulet F et al. Genet. Test Mol. Biomarkers. 2010 Oct;14(5):677-90; Rebbeck TR et al. Hum. Mutat. 2018 May;39(5):593-620). In addition to the clinical data presented in the literature, this alteration is expected to result in loss of function by premature protein truncation or nonsense-mediated mRNA decay. As such, this alteration is interpreted as a disease-causing mutation.

Color Diagnostics, LLC DBA Color Health
Classification: Pathogenic for Hereditary cancer-predisposing syndrome. Last evaluated: 2021-04-28. Review status: criteria provided, single submitter. Criteria: ACMG Guidelines, 2015. Collection method: clinical testing. Allele origin: germline. Not counted in ClinVar's aggregate classification.
Comment: This variant changes 1 nucleotide in exon 16 of the BRCA1 gene, creating a premature translation stop signal. This variant is expected to result in an absent or non-functional protein product. A functional study has reported that this variant impacts BRCA1 function in a haploid human cell proliferation assay (PMID: 30209399). This variant has been reported in at least one individual affected with recurrent ovarian cancer (doi: 10.12892/ejgo5165.2019). This variant has not been identified in the general population by the Genome Aggregation Database (gnomAD). Loss of BRCA1 function is a known mechanism of disease. Based on the available evidence, this variant is classified as Pathogenic.

GeneDx
Classification: Pathogenic. Last evaluated: 2018-10-30. Review status: criteria provided, single submitter. Criteria: GeneDx Variant Classification (06012015). Collection method: clinical testing. Allele origin: germline. Affected: yes. Not counted in ClinVar's aggregate classification.
Comment: This variant is denoted BRCA1 c.4999A>T at the cDNA level and p.Lys1667Ter (K1667X) at the protein level. The substitution creates a nonsense variant, which changes a Lysine to a premature stop codon (AAG>TAG), and is predicted to cause loss of normal protein function through either protein truncation or nonsense-mediated mRNA decay. This variant, also defined as BRCA1 5118A>T using alternate nomenclature, has been reported in at least one individual who had undergone testing for Hereditary Breast and Ovarian Cancer syndrome (Coulet 2000) and is considered pathogenic.

Consortium of Investigators of Modifiers of BRCA1/2 (CIMBA), c/o University of Cambridge
Classification: Pathogenic for Breast-ovarian cancer, familial, susceptibility to, 1. Last evaluated: 2015-10-02. Review status: criteria provided, single submitter. Criteria: CIMBA Mutation Classification guidelines May 2016. Collection method: clinical testing. Allele origin: germline. Not counted in ClinVar's aggregate classification.

Breast Cancer Information Core (BIC) (BRCA1)
Classification: Pathogenic for Breast-ovarian cancer, familial 1. Last evaluated: 2004-11-25. Review status: no assertion criteria provided. Collection method: clinical testing. Allele origin: germline. Affected: yes. Observed: 1 variant allele. Not counted in ClinVar's aggregate classification.

Brotman Baty Institute, University of Washington
No classification provided (evidence only). Condition: Breast-ovarian cancer, familial 1. Review status: no classification provided. Collection method: in vitro. Allele origin: not applicable. Functional consequence: functionally_abnormal. Not counted in ClinVar's aggregate classification.
ClinVar note: "not provided" was previously submitted as the classification for the variant. However, the classification appeared to be based only on an observation of functional data so it was converted to no classification on 2025-07-30.

Literature cited by the submitters: PubMed 20104584 (cited by Labcorp Genetics (formerly Invitae), Labcorp); PubMed 29446198 (cited by Labcorp Genetics (formerly Invitae), Labcorp).

NM_007294.4(BRCA1):c.4999A>T (p.Lys1667Ter)

Gene: BRCA1 (BRCA1 DNA repair associated; minus strand). Cytogenetic location: 17q21.31.
Variant type: single nucleotide variant.
Coding change: c.4999A>T on transcript NM_007294.4 (MANE Select); coding-DNA position 4999, A replaced by T.
Protein change: p.Lys1667Ter; replaces lysine 1667 with a stop codon.
Molecular consequence: nonsense. On other transcripts: non-coding transcript variant (1).
Genome position (GRCh38, 1-based): chr17:43,067,683, T>A on the plus strand (A>T on the coding strand, the complement: BRCA1 is on the minus strand). VCF-style: chr17-43067683-T-A. GRCh37 (hg19) VCF-style: chr17-41219700-T-A.
Other names: c.1477A>T, p.Lys493Ter (NM_001408491.1, NM_001408481.1, NM_001408482.1 and 5 more transcripts); c.1474A>T, p.Lys492Ter (NM_001408492.1, NM_001408493.1); c.1450A>T, p.Lys484Ter (NM_001408494.1); c.1444A>T, p.Lys482Ter (NM_001408495.1); c.1426A>T, p.Lys476Ter (NM_001408496.1, NM_001408497.1, NM_001408498.1 and 3 more transcripts); c.4939A>T, p.Lys1647Ter (NM_001407649.1); c.4999A>T, p.Lys1667Ter (NM_001407652.1, NM_001407593.1, NM_001407594.1 and 8 more transcripts); c.4921A>T, p.Lys1641Ter (NM_001407653.1, NM_001407654.1, NM_001407655.1); and 70 more; short protein forms K1667*, K563*, K1688*, K1620*, K1554*, K1598*, K1619*, K1640*.
Identifiers: ClinVar variation 55353 (VCV000055353.23), dbSNP rs80357204, ClinGen allele CA003149.